The following is an entry in ClinVar:

ClinVar aggregate classification (germline): Uncertain significance (1 of 4 stars; one submission).

Conditions:
Neurofibromatosis, type 2 (SWNV). Also called: SCHWANNOMATOSIS, VESTIBULAR; NF2-Related Schwannomatosis; BILATERAL ACOUSTIC NEUROFIBROMATOSIS. Identifiers: Orphanet 637, MedGen C0027832, MONDO:0007039, OMIM 101000. Disease mechanism: loss of function.

Submission:

Labcorp Genetics (formerly Invitae), Labcorp
Classification: Uncertain significance for Neurofibromatosis, type 2. Last evaluated: 2022-08-25. Review status: criteria provided, single submitter. Criteria: Invitae Variant Classification Sherloc (09022015). Collection method: clinical testing. Allele origin: germline.
Comment: This variant is not present in population databases (gnomAD no frequency). This sequence change replaces alanine, which is neutral and non-polar, with glycine, which is neutral and non-polar, at codon 190 of the NF2 protein (p.Ala190Gly). This variant has not been reported in the literature in individuals affected with NF2-related conditions. Algorithms developed to predict the effect of missense changes on protein structure and function (SIFT, PolyPhen-2, Align-GVGD) all suggest that this variant is likely to be tolerated. In summary, the available evidence is currently insufficient to determine the role of this variant in disease. Therefore, it has been classified as a Variant of Uncertain Significance.

NM_000268.4(NF2):c.569C>G (p.Ala190Gly)

Gene: NF2 (NF2, moesin-ezrin-radixin like (MERLIN) tumor suppressor; plus strand). Cytogenetic location: 22q12.2.
Variant type: single nucleotide variant.
Coding change: c.569C>G on transcript NM_000268.4 (MANE Select); coding-DNA position 569, C replaced by G.
Protein change: p.Ala190Gly; replaces alanine 190 with glycine.
Molecular consequence: missense variant. On other transcripts: non-coding transcript variant (1), intron variant (1).
Genome position (GRCh38, 1-based): chr22:29,655,646, C>G. VCF-style: chr22-29655646-C-G. GRCh37 (hg19) VCF-style: chr22-30051635-C-G.
Other names: c.455C>G, p.Ala152Gly (NM_001407053.1, NM_001407056.1); c.446C>G, p.Ala149Gly (NM_001407054.1, NM_001407058.1, NM_001407062.1 and 1 more transcripts); c.443C>G, p.Ala148Gly (NM_001407055.1, NM_181828.3); c.569C>G, p.Ala190Gly (NM_001407057.1, NM_001407059.1, NM_001407060.1 and 4 more transcripts); c.320C>G, p.Ala107Gly (NM_001407063.1, NM_001407064.1, NM_181830.3 and 1 more transcripts); c.35C>G, p.Ala12Gly (NM_001407065.1); c.338C>G, p.Ala113Gly (NM_001407067.1); c.447+13361C>G (NM_181833.3); short protein forms A107G, A113G, A12G, A148G, A149G, A152G, A190G.
Identifiers: ClinVar variation 1718009 (VCV001718009.6), dbSNP rs2146973013, ClinGen allele CA411142636.